The following is an entry in ClinVar:

NM_000065.5(C6):c.2101+3G>T

Gene: C6 (complement C6; minus strand). Cytogenetic location: 5p13.1.
Variant type: single nucleotide variant.
Coding change: c.2101+3G>T on transcript NM_000065.5 (MANE Select); 3 bases into the intron after coding-DNA position 2101, G replaced by T.
Molecular consequence: intron variant.
Genome position (GRCh38, 1-based): chr5:41,154,969, C>A on the plus strand (G>T on the coding strand, the complement: C6 is on the minus strand). VCF-style: chr5-41154969-C-A. GRCh37 (hg19) VCF-style: chr5-41155071-C-A.
Other names: c.2101+3G>T (NM_001115131.4).
Identifiers: ClinVar variation 1381944 (VCV001381944.4), dbSNP rs375922090, ClinGen allele CA3252217.

ClinVar aggregate classification (germline): Uncertain significance (1 of 4 stars; one submission).

Allele frequency attached by ClinVar (database versions not stated): ExAC 0.00002; gnomAD exomes 0.00002; gnomAD 0.00003 and 0.00004; TOPMed 0.00005; ESP Exome Variant Server 0.00008.
gnomAD v4.1: 38 of 1,613,556 alleles (0.0024%); highest among the groups gnomAD compares: Non-Finnish European, 0.0031%; no homozygotes.

Submission:

Labcorp Genetics (formerly Invitae), Labcorp
Classification: Uncertain significance. Last evaluated: 2024-06-24. Review status: criteria provided, single submitter. Criteria: Invitae Variant Classification Sherloc (09022015). Collection method: clinical testing. Allele origin: germline.
Comment: This sequence change falls in intron 14 of the C6 gene. It does not directly change the encoded amino acid sequence of the C6 protein. It affects a nucleotide within the consensus splice site. This variant is present in population databases (rs375922090, gnomAD 0.004%). This variant has not been reported in the literature in individuals affected with C6-related conditions. ClinVar contains an entry for this variant (Variation ID: 1381944). Variants that disrupt the consensus splice site are a relatively common cause of aberrant splicing (PMID: 17576681, 9536098). Algorithms developed to predict the effect of sequence changes on RNA splicing suggest that this variant may disrupt the consensus splice site. In summary, the available evidence is currently insufficient to determine the role of this variant in disease. Therefore, it has been classified as a Variant of Uncertain Significance.

Literature cited by the submitters: PubMed 17576681; PubMed 9536098.